The following is an entry in ClinVar:

ClinVar aggregate classification (germline): Benign/Likely benign. Review status: criteria provided, multiple submitters, no conflicts (2 of 4 stars). 7 submissions from 7 submitters: Benign (1); Likely benign (6). Last evaluated 2026-01-18.

Conditions:
Hereditary cancer-predisposing syndrome. Also called: Tumor predisposition; Hereditary neoplastic syndrome; Neoplastic Syndromes, Hereditary; Hereditary Cancer Syndrome. Identifiers: Orphanet 140162, MedGen C0027672, MeSH D009386, MONDO:0015356.
Multiple endocrine neoplasia, type 1 (MEN1). Also called: Endocrine adenomatosis multiple; MEN 1; MEN I; WERMER SYNDROME; MEA I. Identifiers: Orphanet 652, MedGen C0025267, MeSH D018761, MONDO:0007540, OMIM 131100.

Allele frequency attached by ClinVar (database versions not stated): gnomAD 0.00001 and 0.00002; ExAC 0.00002; gnomAD exomes 0.00002 and 0.00007; TOPMed 0.00002; ESP Exome Variant Server 0.00008; 1000 Genomes Project 30x 0.00016; 1000 Genomes Project 0.00020.

Submissions (7):

Labcorp Genetics (formerly Invitae), Labcorp
Classification: Likely benign for Multiple endocrine neoplasia, type 1. Last evaluated: 2026-01-18. Review status: criteria provided, single submitter. Criteria: Invitae Variant Classification Sherloc (09022015). Collection method: clinical testing. Allele origin: germline.

Myriad Genetics, Inc.
Classification: Benign for Multiple endocrine neoplasia, type 1. Last evaluated: 2024-11-05. Review status: criteria provided, single submitter. Criteria: Myriad Autosomal Dominant, Autosomal Recessive and X-Linked Classification Criteria (2023). Collection method: clinical testing. Allele origin: unknown.
Comment: This variant is considered benign. This variant is a silent/synonymous amino acid change and it is not expected to impact splicing.

All of Us Research Program, National Institutes of Health
Classification: Likely benign for Multiple endocrine neoplasia, type 1. Last evaluated: 2023-11-28. Review status: criteria provided, single submitter. Criteria: ACMG Guidelines, 2015. Collection method: clinical testing. Allele origin: germline. Inheritance: Autosomal dominant inheritance. Observed: 7 variant alleles, 7 heterozygotes.
Comment: This study involves interpretation of variants in research participants for the purpose of population health screening. Participant phenotype was not available at the time of variant classification. Additional details can be found in publication PMID: 35346344, PMCID: PMC8962531

Women's Health and Genetics/Laboratory Corporation of America, LabCorp
Classification: Likely benign. Last evaluated: 2023-05-18. Review status: criteria provided, single submitter. Criteria: LabCorp Variant Classification Summary - May 2015. Collection method: clinical testing. Allele origin: germline.

Color Diagnostics, LLC DBA Color Health
Classification: Likely benign for Multiple endocrine neoplasia, type 1. Last evaluated: 2022-11-06. Review status: criteria provided, single submitter. Criteria: ACMG Guidelines, 2015. Collection method: clinical testing. Allele origin: germline.

Ambry Genetics
Classification: Likely benign for Hereditary cancer-predisposing syndrome. Last evaluated: 2018-12-21. Review status: criteria provided, single submitter. Criteria: Ambry Variant Classification Scheme 2023. Collection method: clinical testing. Allele origin: germline.

PreventionGenetics, part of Exact Sciences
Classification: Likely benign. Last evaluated: 2017-12-05. Review status: criteria provided, single submitter. Criteria: ACMG Guidelines, 2015. Collection method: clinical testing. Allele origin: germline.

NM_001370259.2(MEN1):c.1656T>C (p.Thr552=)

Gene: MEN1 (menin 1; minus strand). Cytogenetic location: 11q13.1.
Variant type: single nucleotide variant.
Coding change: c.1656T>C on transcript NM_001370259.2 (MANE Select); coding-DNA position 1656, T replaced by C.
Protein change: p.Thr552=; no amino-acid change (threonine 552 retained).
Molecular consequence: synonymous variant.
Genome position (GRCh38, 1-based): chr11:64,804,511, A>G on the plus strand (T>C on the coding strand, the complement: MEN1 is on the minus strand). VCF-style: chr11-64804511-A-G. GRCh37 (hg19) VCF-style: chr11-64571983-A-G.
Other names: c.1671T>C, p.Thr557= (NM_130804.3, NM_000244.4, NM_130800.3 and 3 more transcripts); c.1782T>C, p.Thr594= (NM_001370251.2); c.1656T>C, p.Thr552= (NM_001370260.2, NM_001370261.2, NM_130799.3); c.1551T>C, p.Thr517= (NM_001370262.2, NM_001370263.2).
Identifiers: ClinVar variation 136168 (VCV000136168.31), dbSNP rs143423552, ClinGen allele CA009268.